The following is an entry in ClinVar:

NM_002032.3(FTH1):c.172C>T (p.His58Tyr)

Genes: BEST1 (bestrophin 1; plus strand), FTH1 (ferritin heavy chain 1; minus strand). Cytogenetic location: 11q12.3.
Variant type: single nucleotide variant.
Coding change: c.172C>T on transcript NM_002032.3 (MANE Select); coding-DNA position 172, C replaced by T.
Protein change: p.His58Tyr; replaces histidine 58 with tyrosine.
Molecular consequence: missense variant.
Genome position (GRCh38, 1-based): chr11:61,965,458, G>A on the plus strand (C>T on the coding strand, the complement: FTH1 is on the minus strand). VCF-style: chr11-61965458-G-A. GRCh37 (hg19) VCF-style: chr11-61732930-G-A.
Other names: short protein forms H58Y.
Identifiers: ClinVar variation 4734913 (VCV004734913.1).

ClinVar aggregate classification (germline): Uncertain significance (1 of 4 stars; one submission).

Submission:

Labcorp Genetics (formerly Invitae), Labcorp
Classification: Uncertain significance. Last evaluated: 2026-01-07. Review status: criteria provided, single submitter. Criteria: Invitae Variant Classification Sherloc (09022015). Collection method: clinical testing. Allele origin: germline.
Comment: This sequence change replaces histidine, which is basic and polar, with tyrosine, which is neutral and polar, at codon 58 of the FTH1 protein (p.His58Tyr). This variant is not present in population databases (gnomAD no frequency). This variant has not been reported in the literature in individuals affected with FTH1-related conditions. An algorithm developed to predict the effect of missense changes on protein structure and function (PolyPhen-2) suggests that this variant is likely to be tolerated. In summary, the available evidence is currently insufficient to determine the role of this variant in disease. Therefore, it has been classified as a Variant of Uncertain Significance.